The following is an entry in ClinVar:

ClinVar aggregate classification (germline): Likely benign (1 of 4 stars; one submission).

Conditions:
Split hand-foot malformation 3. Also called: CHROMOSOME 10q24 DUPLICATION SYNDROME; SHSF3; Buttiens Fryns syndrome. Identifiers: Orphanet 1307, MedGen C1838652, MONDO:0009525, OMIM 246560.

Allele frequency attached by ClinVar (database versions not stated): ExAC 0.00006; TOPMed 0.00012; 1000 Genomes Project 30x 0.00016; 1000 Genomes Project 0.00020.
gnomAD v4.1: 38 of 1,607,710 alleles (0.0024%); highest among the groups gnomAD compares: East Asian, 0.076%; no homozygotes.

Submission:

Illumina Laboratory Services, Illumina
Classification: Likely benign for Split hand-foot malformation 3. Last evaluated: 2018-01-13. Review status: criteria provided, single submitter. Criteria: ICSL Variant Classification Criteria 13 December 2019. Collection method: clinical testing. Allele origin: germline.
Comment: This variant was observed in the ICSL laboratory as part of a predisposition screen in an ostensibly healthy population. It had not been previously curated by ICSL or reported in the Human Gene Mutation Database (HGMD: prior to June 1st, 2018), and was therefore a candidate for classification through an automated scoring system. Utilizing variant allele frequency, disease prevalence and penetrance estimates, and inheritance mode, an automated score was calculated to assess if this variant is too frequent to cause the disease. Based on the score and internal cut-off values, a variant classified as likely benign is not then subjected to further curation. The score for this variant resulted in a classification of likely benign for this disease.

NM_022039.4(FBXW4):c.822-11C>T

Gene: FBXW4 (F-box and WD repeat domain containing 4; minus strand). Cytogenetic location: 10q24.32.
Variant type: single nucleotide variant.
Coding change: c.822-11C>T on transcript NM_022039.4 (MANE Select); 11 bases into the intron before coding-DNA position 822, C replaced by T.
Molecular consequence: intron variant.
Genome position (GRCh38, 1-based): chr10:101,673,684, G>A on the plus strand (C>T on the coding strand, the complement: FBXW4 is on the minus strand). VCF-style: chr10-101673684-G-A. GRCh37 (hg19) VCF-style: chr10-103433441-G-A.
Other names: c.96-11C>T (NM_001323541.2).
Identifiers: ClinVar variation 877575 (VCV000877575.4), dbSNP rs540055383, ClinGen allele CA5657417.